The following is an entry in ClinVar:

ClinVar aggregate classification (germline): Pathogenic/Likely pathogenic. Review status: criteria provided, multiple submitters, no conflicts (2 of 4 stars). 3 submissions from 3 submitters: Pathogenic (1); Likely pathogenic (2). Last evaluated 2025-10-02.

Conditions:
Fanconi anemia (FA). Also called: Fanconi's anemia. Identifiers: Orphanet 84, MedGen C0015625, MeSH D005199, MONDO:0019391.
Fanconi anemia complementation group I (FANCI). Also called: FANCI-Related Fanconi Anemia. Identifiers: Orphanet 84, MedGen C1836861, MONDO:0012186, OMIM 609053.

gnomAD v4.1: 6 of 1,562,214 alleles (0.00038%); highest among the groups gnomAD compares: Non-Finnish European, 0.00044%; no homozygotes.

Submissions (3):

Labcorp Genetics (formerly Invitae), Labcorp
Classification: Pathogenic for Fanconi anemia. Last evaluated: 2025-10-02. Review status: criteria provided, single submitter. Criteria: Invitae Variant Classification Sherloc (09022015). Collection method: clinical testing. Allele origin: germline.
Comment: This sequence change creates a premature translational stop signal (p.Gly296*) in the FANCI gene. It is expected to result in an absent or disrupted protein product. Loss-of-function variants in FANCI are known to be pathogenic (PMID: 17452773, 17460694). This variant is present in population databases (rs754986558, gnomAD 0.003%). This variant has not been reported in the literature in individuals affected with FANCI-related conditions. ClinVar contains an entry for this variant (Variation ID: 1420083). For these reasons, this variant has been classified as Pathogenic.

Fulgent Genetics
Classification: Likely pathogenic for Fanconi anemia complementation group I. Last evaluated: 2024-06-13. Review status: criteria provided, single submitter. Criteria: ACMG Guidelines, 2015. Collection method: clinical testing. Allele origin: germline.

Baylor Genetics
Classification: Likely pathogenic for Fanconi anemia complementation group I. Last evaluated: 2023-04-26. Review status: criteria provided, single submitter. Criteria: ACMG Guidelines, 2015. Collection method: clinical testing. Allele origin: unknown.

Literature cited by the submitters: PubMed 17452773 (cited by Labcorp Genetics (formerly Invitae), Labcorp); PubMed 17460694 (cited by Labcorp Genetics (formerly Invitae), Labcorp).

NM_001113378.2(FANCI):c.886G>T (p.Gly296Ter)

Gene: FANCI (FA complementation group I; plus strand). Cytogenetic location: 15q26.1.
Variant type: single nucleotide variant.
Coding change: c.886G>T on transcript NM_001113378.2 (MANE Select); coding-DNA position 886, G replaced by T.
Protein change: p.Gly296Ter; replaces glycine 296 with a stop codon.
Molecular consequence: nonsense.
Genome position (GRCh38, 1-based): chr15:89,273,380, G>T. VCF-style: chr15-89273380-G-T. GRCh37 (hg19) VCF-style: chr15-89816611-G-T.
Other names: c.607G>T, p.Gly203Ter (NM_001376910.1); c.886G>T, p.Gly296Ter (NM_001376911.1, NM_018193.3); short protein forms G203*, G296*.
Identifiers: ClinVar variation 1420083 (VCV001420083.9), dbSNP rs754986558, ClinGen allele CA7722828.